The following is an entry in ClinVar:

NM_000293.3(PHKB):c.391C>T (p.Arg131Cys)

Gene: PHKB (phosphorylase kinase regulatory subunit beta; plus strand). Cytogenetic location: 16q12.1.
Variant type: single nucleotide variant.
Coding change: c.391C>T on transcript NM_000293.3 (MANE Select); coding-DNA position 391, C replaced by T.
Protein change: p.Arg131Cys; replaces arginine 131 with cysteine.
Molecular consequence: missense variant.
Genome position (GRCh38, 1-based): chr16:47,503,076, C>T. VCF-style: chr16-47503076-C-T. GRCh37 (hg19) VCF-style: chr16-47536987-C-T.
Other names: p.Arg131Cys; c.370C>T, p.Arg124Cys (NM_001031835.3); c.391C>T, p.Arg131Cys (NM_001363837.1); short protein forms R131C, R124C.
Identifiers: ClinVar variation 319332 (VCV000319332.15), dbSNP rs202167409, ClinGen allele CA8040459.
Genomic context (GRCh38, chr16:47,503,076, plus strand): 5'-ACCCATGAGCTGGAGCACTCAGCTATAAAATGCATGAGAGGAATTCTCTACTGCTATATG[C>T]GTCAGGCCGATAAGGTAAAACATTGTGGTGTGGACGGGAATTCTCCCATCATTCTGAAGG-3'
Protein context (NP_000284.1, residues 121-141): CMRGILYCYM[Arg131Cys]QADKVQQFKQ

ClinVar aggregate classification (germline): Conflicting classifications of pathogenicity. Review status: criteria provided, conflicting classifications (1 of 4 stars). 4 submissions from 4 submitters: Uncertain significance (1); Likely benign (3). Last evaluated 2025-10-05.

Conditions:
Glycogen storage disease IXb (GSD9B). Also called: GLYCOGENOSIS OF LIVER AND MUSCLE, AUTOSOMAL RECESSIVE; GSD IXb; PHOSPHORYLASE KINASE DEFICIENCY OF LIVER AND MUSCLE, AUTOSOMAL RECESSIVE. Identifiers: Orphanet 79240, MedGen C0543514, MONDO:0009868, OMIM 261750.

Allele frequency attached by ClinVar (database versions not stated): gnomAD 0.00009 and 0.00011; gnomAD exomes 0.00009 and 0.00041; TOPMed 0.00016; 1000 Genomes Project 0.00040; ExAC 0.00043; 1000 Genomes Project 30x 0.00062.

Submissions (4):

Labcorp Genetics (formerly Invitae), Labcorp
Classification: Likely benign for Glycogen storage disease IXb. Last evaluated: 2025-10-05. Review status: criteria provided, single submitter. Criteria: Invitae Variant Classification Sherloc (09022015). Collection method: clinical testing. Allele origin: germline.

Mayo Clinic Laboratories, Mayo Clinic
Classification: Likely benign. Last evaluated: 2025-01-27. Review status: criteria provided, single submitter. Criteria: ACMG Guidelines, 2015. Collection method: clinical testing. Allele origin: germline. Observed: 1 variant allele.
Comment: BS1, BS2, PP3_moderate

Blueprint Genetics
Classification: Uncertain significance. Last evaluated: 2024-02-29. Review status: criteria provided, single submitter. Criteria: ACMG Guidelines, 2015. Collection method: clinical testing. Allele origin: germline.

Illumina Laboratory Services, Illumina
Classification: Likely benign for Glycogen storage disease IXb. Last evaluated: 2018-01-13. Review status: criteria provided, single submitter. Criteria: ICSL Variant Classification Criteria 13 December 2019. Collection method: clinical testing. Allele origin: germline.
Comment: This variant was observed in the ICSL laboratory as part of a predisposition screen in an ostensibly healthy population. It had not been previously curated by ICSL or reported in the Human Gene Mutation Database (HGMD: prior to June 1st, 2018), and was therefore a candidate for classification through an automated scoring system. Utilizing variant allele frequency, disease prevalence and penetrance estimates, and inheritance mode, an automated score was calculated to assess if this variant is too frequent to cause the disease. Based on the score and internal cut-off values, a variant classified as likely benign is not then subjected to further curation. The score for this variant resulted in a classification of likely benign for this disease.